The following is an entry in ClinVar:

NM_015512.5(DNAH1):c.888G>C (p.Gln296His)

Gene: DNAH1 (dynein axonemal heavy chain 1; plus strand). Cytogenetic location: 3p21.1.
Variant type: single nucleotide variant.
Coding change: c.888G>C on transcript NM_015512.5 (MANE Select); coding-DNA position 888, G replaced by C.
Protein change: p.Gln296His; replaces glutamine 296 with histidine.
Molecular consequence: missense variant.
Genome position (GRCh38, 1-based): chr3:52,331,164, G>C. VCF-style: chr3-52331164-G-C. GRCh37 (hg19) VCF-style: chr3-52365180-G-C.
Other names: short protein forms Q296H.
Identifiers: ClinVar variation 478507 (VCV000478507.51), dbSNP rs200450328, ClinGen allele CA2432805.

ClinVar aggregate classification (germline): Likely benign. Review status: criteria provided, multiple submitters, no conflicts (2 of 4 stars). 4 submissions from 4 submitters: Likely benign (3). 1 of the submissions does not count toward it. Last evaluated 2026-01-18.

Conditions:
DNAH1-related disorder. Also called: DNAH1-related condition.
Spermatogenic failure 18. Identifiers: MedGen C4539783, MONDO:0054615, OMIM 617576.
Ciliary dyskinesia, primary, 37 (CILD37). Also called: CILIARY DYSKINESIA, PRIMARY, 37, WITH OR WITHOUT SITUS INVERSUS. Identifiers: MedGen C4539798, MONDO:0033204, OMIM 617577.

Allele frequency attached by ClinVar (database versions not stated): TOPMed 0.00021; gnomAD 0.00031 and 0.00039; ESP Exome Variant Server 0.00033; gnomAD exomes 0.00038 and 0.00067; 1000 Genomes Project 30x 0.00062; 1000 Genomes Project 0.00080; ExAC 0.00142.
gnomAD v4.1: 621 of 1,597,516 alleles (0.039%); highest among the groups gnomAD compares: South Asian, 0.24%; 3 homozygotes.

Submissions (4):

Labcorp Genetics (formerly Invitae), Labcorp
Classification: Likely benign for Ciliary dyskinesia, primary, 37; Spermatogenic failure 18. Last evaluated: 2026-01-18. Review status: criteria provided, single submitter. Criteria: Invitae Variant Classification Sherloc (09022015). Collection method: clinical testing. Allele origin: germline.

Blueprint Genetics
Classification: Likely benign. Last evaluated: 2024-09-27. Review status: criteria provided, single submitter. Criteria: ACMG Guidelines, 2015. Collection method: clinical testing. Allele origin: germline.

CeGaT Center for Human Genetics Tuebingen
Classification: Likely benign. Last evaluated: 2023-02-01. Review status: criteria provided, single submitter. Criteria: CeGaT Center For Human Genetics Tuebingen Variant Classification Criteria Version 2. Collection method: clinical testing. Allele origin: germline. Affected: yes. Observed: 3 variant alleles.
Comment: DNAH1: BP4, BS2

PreventionGenetics, part of Exact Sciences
Classification: Likely benign for DNAH1-related condition. Last evaluated: 2022-08-09. Review status: no assertion criteria provided. Collection method: clinical testing. Allele origin: germline. Not counted in ClinVar's aggregate classification.
Comment: This variant is classified as likely benign based on ACMG/AMP sequence variant interpretation guidelines (Richards et al. 2015 PMID: 25741868, with internal and published modifications).